The following is an entry in ClinVar:

NM_198576.4(AGRN):c.3894T>G (p.Val1298=)

Gene: AGRN (agrin; plus strand). Cytogenetic location: 1p36.33.
Variant type: single nucleotide variant.
Coding change: c.3894T>G on transcript NM_198576.4 (MANE Select); coding-DNA position 3894, T replaced by G.
Protein change: p.Val1298=; no amino-acid change (valine 1298 retained).
Molecular consequence: synonymous variant.
Genome position (GRCh38, 1-based): chr1:1,048,154, T>G. VCF-style: chr1-1048154-T-G. GRCh37 (hg19) VCF-style: chr1-983534-T-G.
Other names: c.3894T>G, p.Val1298= (NM_001305275.2); c.3579T>G, p.Val1193= (NM_001364727.2).
Identifiers: ClinVar variation 3053634 (VCV003053634.4), dbSNP rs757467441, ClinGen allele CA509269.

ClinVar aggregate classification (germline): Likely benign. Review status: criteria provided, single submitter (1 of 4 stars). 2 submissions from 2 submitters: Likely benign (1). 1 of the submissions does not count toward it. Last evaluated 2025-10-08.

Conditions:
AGRN-related disorder. Also called: AGRN-related condition.
Congenital myasthenic syndrome 8. Also called: MYASTHENIC SYNDROME, CONGENITAL, DUE TO AGRIN DEFICIENCY; Myasthenic syndrome, congenital, 8, with pre- and postsynaptic defects. Identifiers: Orphanet 590, MedGen C3808739, MONDO:0014052, OMIM 615120.

Submissions (2):

Labcorp Genetics (formerly Invitae), Labcorp
Classification: Likely benign for Congenital myasthenic syndrome 8. Last evaluated: 2025-10-08. Review status: criteria provided, single submitter. Criteria: Invitae Variant Classification Sherloc (09022015). Collection method: clinical testing. Allele origin: germline.

PreventionGenetics, part of Exact Sciences
Classification: Likely benign for AGRN-related condition. Last evaluated: 2024-06-12. Review status: no assertion criteria provided. Collection method: clinical testing. Allele origin: germline. Not counted in ClinVar's aggregate classification.
Comment: This variant is classified as likely benign based on ACMG/AMP sequence variant interpretation guidelines (Richards et al. 2015 PMID: 25741868, with internal and published modifications).